The following is an entry in ClinVar:

ClinVar aggregate classification (germline): Uncertain significance. Review status: criteria provided, multiple submitters, no conflicts (2 of 4 stars). 5 submissions from 5 submitters: Uncertain significance (4). 1 of the submissions does not count toward it. Last evaluated 2025-06-12.

Conditions:
Hereditary cancer-predisposing syndrome. Also called: Tumor predisposition; Hereditary Cancer Syndrome; Neoplastic Syndromes, Hereditary; Hereditary neoplastic syndrome. Identifiers: Orphanet 140162, MedGen C0027672, MeSH D009386, MONDO:0015356.
Familial cancer of breast. Also called: Hereditary breast cancer; hereditary breast carcinoma; BREAST CANCER, FAMILIAL. Identifiers: Orphanet 227535, MedGen C0346153, MONDO:0016419, OMIM 114480. Disease mechanism: loss of function.
Ataxia-telangiectasia syndrome (AT). Also called: Cerebello-oculocutaneous telangiectasia; Immunodeficiency with ataxia telangiectasia; Ataxia-telangiectasia, complementation group D; AT, COMPLEMENTATION GROUP C; Ataxia-telangiectasia, complementation group E; LOUIS-BAR SYNDROME. Identifiers: Orphanet 100, MedGen C0004135, MONDO:0008840, OMIM 208900.

Allele frequency attached by ClinVar (database versions not stated): TOPMed below 0.00001.

Submissions (5):

Ambry Genetics
Classification: Uncertain significance for Hereditary cancer-predisposing syndrome. Last evaluated: 2025-06-12. Review status: criteria provided, single submitter. Criteria: Ambry Variant Classification Scheme 2023. Collection method: clinical testing. Allele origin: germline.
Comment: The p.G449E variant (also known as c.1346G>A), located in coding exon 9 of the ATM gene, results from a G to A substitution at nucleotide position 1346. The glycine at codon 449 is replaced by glutamic acid, an amino acid with similar properties. This amino acid position is highly conserved in available vertebrate species. In addition, the in silico prediction for this alteration is inconclusive. Since supporting evidence is limited at this time, the clinical significance of this alteration remains unclear.

Labcorp Genetics (formerly Invitae), Labcorp
Classification: Uncertain significance for Ataxia-telangiectasia syndrome. Last evaluated: 2024-06-21. Review status: criteria provided, single submitter. Criteria: Invitae Variant Classification Sherloc (09022015). Collection method: clinical testing. Allele origin: germline.
Comment: This sequence change replaces glycine, which is neutral and non-polar, with glutamic acid, which is acidic and polar, at codon 449 of the ATM protein (p.Gly449Glu). This variant is not present in population databases (gnomAD no frequency). This variant has not been reported in the literature in individuals affected with ATM-related conditions. ClinVar contains an entry for this variant (Variation ID: 453359). An algorithm developed to predict the effect of missense changes on protein structure and function (PolyPhen-2) suggests that this variant is likely to be disruptive. In summary, the available evidence is currently insufficient to determine the role of this variant in disease. Therefore, it has been classified as a Variant of Uncertain Significance.

Baylor Genetics
Classification: Uncertain significance for Familial cancer of breast. Last evaluated: 2023-05-11. Review status: criteria provided, single submitter. Criteria: ACMG Guidelines, 2015. Collection method: clinical testing. Allele origin: unknown.

Color Diagnostics, LLC DBA Color Health
Classification: Uncertain significance for Hereditary cancer-predisposing syndrome. Last evaluated: 2021-01-06. Review status: criteria provided, single submitter. Criteria: ACMG Guidelines, 2015. Collection method: clinical testing. Allele origin: germline.
Comment: This missense variant replaces glycine with glutamic acid at codon 449 of the ATM protein. Computational prediction suggests that this variant may not impact protein structure and function (internally defined REVEL score threshold <= 0.5, PMID: 27666373). To our knowledge, functional studies have not been reported for this variant. This variant has not been reported in individuals affected with hereditary cancer in the literature. This variant has not been identified in the general population by the Genome Aggregation Database (gnomAD). The available evidence is insufficient to determine the role of this variant in disease conclusively. Therefore, this variant is classified as a Variant of Uncertain Significance.

Natera, Inc.
Classification: Uncertain significance for Ataxia-telangiectasia. Last evaluated: 2020-09-16. Review status: no assertion criteria provided. Collection method: clinical testing. Allele origin: germline. Not counted in ClinVar's aggregate classification.

NM_000051.4(ATM):c.1346G>A (p.Gly449Glu)

Gene: ATM (ATM serine/threonine kinase; plus strand). Cytogenetic location: 11q22.3.
Variant type: single nucleotide variant.
Coding change: c.1346G>A on transcript NM_000051.4 (MANE Select); coding-DNA position 1346, G replaced by A.
Protein change: p.Gly449Glu; replaces glycine 449 with glutamic acid.
Molecular consequence: missense variant.
Genome position (GRCh38, 1-based): chr11:108,250,811, G>A. VCF-style: chr11-108250811-G-A. GRCh37 (hg19) VCF-style: chr11-108121538-G-A.
Other names: c.1346G>A, p.Gly449Glu (NM_001351834.2); short protein forms G449E.
Identifiers: ClinVar variation 453359 (VCV000453359.21), dbSNP rs1163918420, ClinGen allele CA382533760.